The following is an entry in ClinVar:

ClinVar aggregate classification (germline): Conflicting classifications of pathogenicity. Review status: criteria provided, conflicting classifications (1 of 4 stars). 4 submissions from 4 submitters: Uncertain significance (3); Likely benign (1). Last evaluated 2025-10-15.

Conditions:
Inborn genetic diseases. Identifiers: MedGen C0950123, MeSH D030342.

Allele frequency attached by ClinVar (database versions not stated): gnomAD exomes 0.00013 and 0.00014; ExAC 0.00016; 1000 Genomes Project 0.00020; 1000 Genomes Project 30x 0.00031; ESP Exome Variant Server 0.00031; gnomAD 0.00031 and 0.00033; TOPMed 0.00040.
gnomAD v4.1: 245 of 1,613,998 alleles (0.015%); highest among the groups gnomAD compares: Middle Eastern, 0.15%; no homozygotes.

Submissions (4):

Labcorp Genetics (formerly Invitae), Labcorp
Classification: Uncertain significance. Last evaluated: 2025-10-15. Review status: criteria provided, single submitter. Criteria: Invitae Variant Classification Sherloc (09022015). Collection method: clinical testing. Allele origin: germline.
Comment: This sequence change replaces isoleucine, which is neutral and non-polar, with threonine, which is neutral and polar, at codon 24 of the SYT2 protein (p.Ile24Thr). This variant is present in population databases (rs199582045, gnomAD 0.06%). This variant has not been reported in the literature in individuals affected with SYT2-related conditions. ClinVar contains an entry for this variant (Variation ID: 623712). An algorithm developed to predict the effect of missense changes on protein structure and function outputs the following: PolyPhen-2: "Benign". The threonine amino acid residue is found in multiple mammalian species, which suggests that this missense change does not adversely affect protein function. In summary, the available evidence is currently insufficient to determine the role of this variant in disease. Therefore, it has been classified as a Variant of Uncertain Significance.

Ambry Genetics
Classification: Uncertain significance for Inborn genetic diseases. Last evaluated: 2021-10-20. Review status: criteria provided, single submitter. Criteria: Ambry Variant Classification Scheme 2023. Collection method: clinical testing. Allele origin: germline.

GeneDx
Classification: Uncertain significance. Last evaluated: 2019-11-12. Review status: criteria provided, single submitter. Criteria: GeneDx Variant Classification Process June 2021. Collection method: clinical testing. Allele origin: germline. Affected: yes.
Comment: Has not been previously published as pathogenic or benign to our knowledge; In silico analysis, which includes protein predictors and evolutionary conservation, supports that this variant does not alter protein structure/function

CeGaT Center for Human Genetics Tuebingen
Classification: Likely benign. Last evaluated: 2018-06-01. Review status: criteria provided, single submitter. Criteria: CeGaT Center For Human Genetics Tuebingen Variant Classification Criteria Version 2. Collection method: clinical testing. Allele origin: germline. Affected: yes. Observed: 1 variant allele.

NM_177402.5(SYT2):c.71T>C (p.Ile24Thr)

Gene: SYT2 (synaptotagmin 2; minus strand). Cytogenetic location: 1q32.1.
Variant type: single nucleotide variant.
Coding change: c.71T>C on transcript NM_177402.5 (MANE Select); coding-DNA position 71, T replaced by C.
Protein change: p.Ile24Thr; replaces isoleucine 24 with threonine.
Molecular consequence: missense variant.
Genome position (GRCh38, 1-based): chr1:202,605,702, A>G on the plus strand (T>C on the coding strand, the complement: SYT2 is on the minus strand). VCF-style: chr1-202605702-A-G. GRCh37 (hg19) VCF-style: chr1-202574830-A-G.
Other names: c.71T>C, p.Ile24Thr (NM_001136504.1); short protein forms I24T.
Identifiers: ClinVar variation 623712 (VCV000623712.52), dbSNP rs199582045, ClinGen allele CA1333869.